The following is an entry in ClinVar:

ClinVar aggregate classification (germline): Uncertain significance (1 of 4 stars; one submission).

Allele frequency attached by ClinVar (database versions not stated): TOPMed below 0.00001; gnomAD 0.00001; gnomAD exomes 0.00001 and 0.00002; ExAC 0.00002.
gnomAD v4.1: 27 of 1,611,498 alleles (0.0017%); highest among the groups gnomAD compares: Non-Finnish European, 0.0022%; no homozygotes.

Submission:

Labcorp Genetics (formerly Invitae), Labcorp
Classification: Uncertain significance. Last evaluated: 2025-11-04. Review status: criteria provided, single submitter. Criteria: Invitae Variant Classification Sherloc (09022015). Collection method: clinical testing. Allele origin: germline.
Comment: This sequence change replaces glutamine, which is neutral and polar, with histidine, which is basic and polar, at codon 127 of the IFT88 protein (p.Gln127His). This variant is present in population databases (rs771201386, gnomAD 0.003%). This variant has not been reported in the literature in individuals affected with IFT88-related conditions. ClinVar contains an entry for this variant (Variation ID: 1517057). An algorithm developed to predict the effect of missense changes on protein structure and function (PolyPhen-2) suggests that this variant is likely to be tolerated. In summary, the available evidence is currently insufficient to determine the role of this variant in disease. Therefore, it has been classified as a Variant of Uncertain Significance.

NM_006531.5(IFT88):c.354G>T (p.Gln118His)

Gene: IFT88 (intraflagellar transport 88; plus strand). Cytogenetic location: 13q12.11.
Variant type: single nucleotide variant.
Coding change: c.354G>T on transcript NM_006531.5 (MANE Select); coding-DNA position 354, G replaced by T.
Protein change: p.Gln118His; replaces glutamine 118 with histidine.
Molecular consequence: missense variant. On other transcripts: non-coding transcript variant (5), intron variant (1).
Genome position (GRCh38, 1-based): chr13:20,592,360, G>T. VCF-style: chr13-20592360-G-T. GRCh37 (hg19) VCF-style: chr13-21166499-G-T.
Other names: c.297G>T, p.Gln99His (NM_001318491.2, NM_001353573.2, NM_001353574.2 and 1 more transcripts); c.381G>T, p.Gln127His (NM_001318493.2, NM_001353565.2, NM_001353566.2 and 6 more transcripts); c.354G>T, p.Gln118His (NM_001353568.2, NM_001353571.2, NM_001353572.2 and 1 more transcripts); c.-236+679G>T (NM_001353579.2); short protein forms Q127H, Q118H, Q99H.
Identifiers: ClinVar variation 1517057 (VCV001517057.6), dbSNP rs771201386, ClinGen allele CA6905054.